The following is an entry in ClinVar:

ClinVar aggregate classification (germline): Uncertain significance (1 of 4 stars; one submission).

Conditions:
Cardiovascular phenotype. Identifiers: MedGen CN230736.

Submission:

Molecular Diagnostic Laboratory for Inherited Cardiovascular Disease, Montreal Heart Institute
Classification: Uncertain significance for Cardiovascular phenotype. Last evaluated: 2026-03-27. Review status: criteria provided, single submitter. Criteria: ACMG Guidelines, 2015. Collection method: clinical testing. Allele origin: germline. Affected: yes.
Comment: PM2, PP2, PP3

NM_000363.5(TNNI3):c.296A>C (p.Gln99Pro)

Gene: TNNI3 (troponin I3, cardiac type; minus strand). Cytogenetic location: 19q13.42.
Variant type: single nucleotide variant.
Coding change: c.296A>C on transcript NM_000363.5 (MANE Select); coding-DNA position 296, A replaced by C.
Protein change: p.Gln99Pro; replaces glutamine 99 with proline.
Molecular consequence: missense variant.
Genome position (GRCh38, 1-based): chr19:55,154,817, T>G on the plus strand (A>C on the coding strand, the complement: TNNI3 is on the minus strand). VCF-style: chr19-55154817-T-G. GRCh37 (hg19) VCF-style: chr19-55666185-T-G.
Other names: short protein forms Q99P.
Identifiers: ClinVar variation 4820431 (VCV004820431.1).